The following is an entry in ClinVar:

NM_001370259.2(MEN1):c.327A>C (p.Glu109Asp)

Gene: MEN1 (menin 1; minus strand). Cytogenetic location: 11q13.1.
Variant type: single nucleotide variant.
Coding change: c.327A>C on transcript NM_001370259.2 (MANE Select); coding-DNA position 327, A replaced by C.
Protein change: p.Glu109Asp; replaces glutamic acid 109 with aspartic acid.
Molecular consequence: missense variant.
Genome position (GRCh38, 1-based): chr11:64,809,783, T>G on the plus strand (A>C on the coding strand, the complement: MEN1 is on the minus strand). VCF-style: chr11-64809783-T-G. GRCh37 (hg19) VCF-style: chr11-64577255-T-G.
Other names: c.327A>C, p.Glu109Asp (NM_000244.4, NM_001370251.2, NM_001370260.2 and 9 more transcripts); short protein forms E109D.
Identifiers: ClinVar variation 305314 (VCV000305314.17), dbSNP rs773976527, ClinGen allele CA061079.

ClinVar aggregate classification (germline): Conflicting classifications of pathogenicity. Review status: criteria provided, conflicting classifications (1 of 4 stars). 6 submissions from 5 submitters: Uncertain significance (5); Benign (1). Last evaluated 2025-08-11.

Conditions:
Hyperparathyroidism. Identifiers: MedGen C0020502, MONDO:0001741, HP:0000843.
Hereditary cancer-predisposing syndrome. Also called: Hereditary Cancer Syndrome; Hereditary neoplastic syndrome; Neoplastic Syndromes, Hereditary; Tumor predisposition. Identifiers: Orphanet 140162, MedGen C0027672, MeSH D009386, MONDO:0015356.
Multiple endocrine neoplasia, type 1 (MEN1). Also called: MEA I; MEN I; WERMER SYNDROME; Endocrine adenomatosis multiple; MEN 1. Identifiers: Orphanet 652, MedGen C0025267, MeSH D018761, MONDO:0007540, OMIM 131100.

Allele frequency attached by ClinVar (database versions not stated): gnomAD exomes below 0.00001; TOPMed below 0.00001; ExAC 0.00001.

Submissions (6):

Labcorp Genetics (formerly Invitae), Labcorp
Classification: Benign for Multiple endocrine neoplasia, type 1. Last evaluated: 2025-08-11. Review status: criteria provided, single submitter. Criteria: Invitae Variant Classification Sherloc (09022015). Collection method: clinical testing. Allele origin: germline.

Baylor Genetics
Classification: Uncertain significance for Multiple Endocrine Neoplasia Type 1. Last evaluated: 2024-02-14. Review status: criteria provided, single submitter. Criteria: ACMG Guidelines, 2015. Collection method: clinical testing. Allele origin: unknown.

Color Diagnostics, LLC DBA Color Health
Classification: Uncertain significance for Multiple endocrine neoplasia, type 1. Last evaluated: 2023-10-25. Review status: criteria provided, single submitter. Criteria: ACMG Guidelines, 2015. Collection method: clinical testing. Allele origin: germline.
Comment: This missense variant replaces glutamic acid with aspartic acid at codon 109 of the MEN1 protein. Computational prediction suggests that this variant may not impact protein structure and function. To our knowledge, functional studies have not been reported for this variant. This variant has not been reported in individuals affected with MEN1-related disorders in the literature. This variant has been identified in 1/251312 chromosomes in the general population by the Genome Aggregation Database (gnomAD). The available evidence is insufficient to determine the role of this variant in disease conclusively. Therefore, this variant is classified as a Variant of Uncertain Significance.

Ambry Genetics
Classification: Uncertain significance for Hereditary cancer-predisposing syndrome. Last evaluated: 2023-07-13. Review status: criteria provided, single submitter. Criteria: Ambry Variant Classification Scheme 2023. Collection method: clinical testing. Allele origin: germline.
Comment: The p.E109D variant (also known as c.327A>C), located in coding exon 1 of the MEN1 gene, results from an A to C substitution at nucleotide position 327. The glutamic acid at codon 109 is replaced by aspartic acid, an amino acid with highly similar properties. This amino acid position is conserved. In addition, this alteration is predicted to be tolerated by in silico analysis. Since supporting evidence is limited at this time, the clinical significance of this alteration remains unclear.

Illumina Laboratory Services, Illumina
Classification: Uncertain significance for Multiple endocrine neoplasia, type 1. Last evaluated: 2018-01-13. Review status: criteria provided, single submitter. Criteria: ICSL Variant Classification Criteria 13 December 2019. Collection method: clinical testing. Allele origin: germline.

Illumina Laboratory Services, Illumina
Classification: Uncertain significance for Hyperparathyroidism. Last evaluated: 2018-01-13. Review status: criteria provided, single submitter. Criteria: ICSL Variant Classification Criteria 13 December 2019. Collection method: clinical testing. Allele origin: germline.